The following is an entry in ClinVar:

NM_000059.4(BRCA2):c.5284T>C (p.Tyr1762His)

Gene: BRCA2 (BRCA2 DNA repair associated; plus strand). Cytogenetic location: 13q13.1.
Variant type: single nucleotide variant.
Coding change: c.5284T>C on transcript NM_000059.4 (MANE Select); coding-DNA position 5284, T replaced by C.
Protein change: p.Tyr1762His; replaces tyrosine 1762 with histidine.
Molecular consequence: missense variant.
Genome position (GRCh38, 1-based): chr13:32,339,639, T>C. VCF-style: chr13-32339639-T-C. GRCh37 (hg19) VCF-style: chr13-32913776-T-C.
Other names: short protein forms Y1762H.
Identifiers: ClinVar variation 579575 (VCV000579575.12), dbSNP rs1192019733, ClinGen allele CA387784768.

ClinVar aggregate classification (germline): Conflicting classifications of pathogenicity. Review status: criteria provided, conflicting classifications (1 of 4 stars). 3 submissions from 3 submitters: Uncertain significance (2); Likely benign (1). Last evaluated 2023-08-02.

Conditions:
Hereditary cancer-predisposing syndrome. Also called: Neoplastic Syndromes, Hereditary; Tumor predisposition; Hereditary neoplastic syndrome; Hereditary Cancer Syndrome. Identifiers: Orphanet 140162, MedGen C0027672, MeSH D009386, MONDO:0015356.
Hereditary breast ovarian cancer syndrome. Also called: Hereditary breast and ovarian cancer syndrome; Hereditary breast and ovarian cancer syndrome (HBOC); BRCA1- and BRCA2-Associated Hereditary Breast and Ovarian Cancer; Hereditary breast and/or ovarian cancer syndrome; Hereditary breast and ovarian cancer; Breast and ovarian cancer. Identifiers: Orphanet 145, MedGen C0677776, MeSH D061325, MONDO:0003582. Disease mechanism: loss of function.

Submissions (3):

Ambry Genetics
Classification: Uncertain significance for Hereditary cancer-predisposing syndrome. Last evaluated: 2023-08-02. Review status: criteria provided, single submitter. Criteria: Ambry Variant Classification Scheme 2023. Collection method: clinical testing. Allele origin: germline.
Comment: The p.Y1762H variant (also known as c.5284T>C), located in coding exon 10 of the BRCA2 gene, results from a T to C substitution at nucleotide position 5284. The tyrosine at codon 1762 is replaced by histidine, an amino acid with similar properties. This amino acid position is conserved. In addition, this alteration is predicted to be tolerated by in silico analysis. Since supporting evidence is limited at this time, the clinical significance of this alteration remains unclear.

University of Washington Department of Laboratory Medicine, University of Washington
Classification: Likely benign for Hereditary cancer-predisposing syndrome. Last evaluated: 2023-03-23. Review status: criteria provided, single submitter. Criteria: Dines et al. (Genet Med. 2020). Collection method: curation. Allele origin: germline.
Comment: Missense variant in a coldspot region where missense variants are very unlikely to be pathogenic (PMID:31911673).

BRCA2 exon 11 coldspot. Reclassification based on statistical prior probability.

Labcorp Genetics (formerly Invitae), Labcorp
Classification: Uncertain significance for Hereditary breast ovarian cancer syndrome. Last evaluated: 2022-07-15. Review status: criteria provided, single submitter. Criteria: Invitae Variant Classification Sherloc (09022015). Collection method: clinical testing. Allele origin: germline.
Comment: ClinVar contains an entry for this variant (Variation ID: 579575). In summary, the available evidence is currently insufficient to determine the role of this variant in disease. Therefore, it has been classified as a Variant of Uncertain Significance. Advanced modeling of protein sequence and biophysical properties (such as structural, functional, and spatial information, amino acid conservation, physicochemical variation, residue mobility, and thermodynamic stability) performed at Invitae indicates that this missense variant is not expected to disrupt BRCA2 protein function. This variant has not been reported in the literature in individuals affected with BRCA2-related conditions. This variant is not present in population databases (gnomAD no frequency). This sequence change replaces tyrosine, which is neutral and polar, with histidine, which is basic and polar, at codon 1762 of the BRCA2 protein (p.Tyr1762His).